The following is an entry in ClinVar:

ClinVar aggregate classification (germline): Likely benign. Review status: criteria provided, multiple submitters, no conflicts (2 of 4 stars). 5 submissions from 5 submitters: Likely benign (5). Last evaluated 2025-12-07.

Conditions:
Cardiomyopathy (CMYO). Also called: Cardiomyopathies. Identifiers: Orphanet 167848, MedGen C0878544, MONDO:0004994, HP:0001638. Inheritance: Various modes of inheritance.
Arrhythmogenic cardiomyopathy with wooly hair and keratoderma. Also called: Carvajal syndrome; Dilated cardiomyopathy with woolly hair and keratoderma; Arrhythmogenic cardiomyopathy with woolly hair and keratoderma; PALMOPLANTAR KERATODERMA WITH LEFT VENTRICULAR CARDIOMYOPATHY AND WOOLLY HAIR. Identifiers: Orphanet 65282, MedGen C1854063, MONDO:0011581, OMIM 605676.
Arrhythmogenic right ventricular dysplasia 8 (ARVD8). Also called: ARRHYTHMOGENIC RIGHT VENTRICULAR DYSPLASIA, FAMILIAL, 8; ARRHYTHMOGENIC RIGHT VENTRICULAR CARDIOMYOPATHY 8; Arrhythmogenic Right Ventricular Dysplasia/Cardiomyopathy 8. Identifiers: MedGen C1843896, MONDO:0011831, OMIM 607450.
Cardiovascular phenotype. Identifiers: MedGen CN230736.

Allele frequency attached by ClinVar (database versions not stated): gnomAD exomes below 0.00001; ExAC 0.00001; gnomAD 0.00001.
gnomAD v4.1: 3 of 1,613,324 alleles (0.00019%); highest among the groups gnomAD compares: Non-Finnish European, 0.00025%; no homozygotes.

Submissions (5):

Ambry Genetics
Classification: Likely benign for Cardiovascular phenotype. Last evaluated: 2025-12-07. Review status: criteria provided, single submitter. Criteria: Ambry Variant Classification Scheme 2023. Collection method: clinical testing. Allele origin: germline.

All of Us Research Program, National Institutes of Health
Classification: Likely benign for Arrhythmogenic cardiomyopathy with wooly hair and keratoderma. Last evaluated: 2023-09-18. Review status: criteria provided, single submitter. Criteria: ACMG Guidelines, 2015. Collection method: clinical testing. Allele origin: germline. Inheritance: Autosomal dominant inheritance. Observed: 2 variant alleles, 2 heterozygotes.
Comment: This study involves interpretation of variants in research participants for the purpose of population health screening. Participant phenotype was not available at the time of variant classification. Additional details can be found in publication PMID: 35346344, PMCID: PMC8962531

Labcorp Genetics (formerly Invitae), Labcorp
Classification: Likely benign for Arrhythmogenic cardiomyopathy with wooly hair and keratoderma; Arrhythmogenic right ventricular dysplasia 8. Last evaluated: 2022-02-20. Review status: criteria provided, single submitter. Criteria: Invitae Variant Classification Sherloc (09022015). Collection method: clinical testing. Allele origin: germline.

Color Diagnostics, LLC DBA Color Health
Classification: Likely benign for Cardiomyopathy. Last evaluated: 2021-03-23. Review status: criteria provided, single submitter. Criteria: ACMG Guidelines, 2015. Collection method: clinical testing. Allele origin: germline.

GeneDx
Classification: Likely benign. Last evaluated: 2016-06-06. Review status: criteria provided, single submitter. Criteria: GeneDx Variant Classification (06012015). Collection method: clinical testing. Allele origin: germline. Affected: yes.
Comment: This variant is considered likely benign or benign based on one or more of the following criteria: it is a conservative change, it occurs at a poorly conserved position in the protein, it is predicted to be benign by multiple in silico algorithms, and/or has population frequency not consistent with disease.

NM_004415.4(DSP):c.2991A>C (p.Ala997=)

Gene: DSP (desmoplakin; plus strand). Cytogenetic location: 6p24.3.
Variant type: single nucleotide variant.
Coding change: c.2991A>C on transcript NM_004415.4 (MANE Select); coding-DNA position 2991, A replaced by C.
Protein change: p.Ala997=; no amino-acid change (alanine 997 retained).
Molecular consequence: synonymous variant.
Genome position (GRCh38, 1-based): chr6:7,578,469, A>C. VCF-style: chr6-7578469-A-C. GRCh37 (hg19) VCF-style: chr6-7578702-A-C.
Other names: c.2991A>C, p.Ala997= (NM_001008844.3, NM_001319034.2); c.2991A>C (LRG_423t1).
Identifiers: ClinVar variation 386629 (VCV000386629.10), dbSNP rs780686578, ClinGen allele CA036476.